The following is an entry in ClinVar:

ClinVar aggregate classification (germline): Pathogenic (1 of 4 stars; one submission).

Submission:

GeneDx
Classification: Pathogenic. Last evaluated: 2018-06-25. Review status: criteria provided, single submitter. Criteria: GeneDx Variant Classification (06012015). Collection method: clinical testing. Allele origin: germline. Affected: yes.
Comment: The c.356delG variant in the SLC6A8 gene has not been reported previously as a pathogenic variant nor as a benign variant, to our knowledge. The c.356delG variant causes a frameshift starting with codon Glycine 119, changes this amino acid to an Alanine residue, and creates a premature Stop codon at position 21 of the new reading frame, denoted p.Gly119AlafsX21. This variant is predicted to cause loss of normal protein function either through protein truncation or nonsense-mediated mRNA decay. The c.356delG variant is not observed in large population cohorts (Lek et al., 2016).

NM_005629.4(SLC6A8):c.356del (p.Gly119fs)

Gene: SLC6A8 (solute carrier family 6 member 8; plus strand). Cytogenetic location: Xq28.
Variant type: Deletion.
Coding change: c.356del on transcript NM_005629.4 (MANE Select); coding-DNA position 356, one base deleted (G; older notation c.356delG).
Protein change: p.Gly119fs; shifts the reading frame from glycine 119.
Molecular consequence: frameshift variant.
Genome position (GRCh38, 1-based): chrX:153,690,468, G deleted; the last of 2 consecutive G bases (chrX:153,690,467-153,690,468); deleting either gives the same sequence. VCF-style (leftmost placement, unchanged base first): chrX-153690466-CG-C. GRCh37 (hg19) VCF-style: chrX-152955921-CG-C.
Other names: c.356del, p.Gly119fs (NM_001142805.2); c.11del, p.Gly4fs (NM_001142806.1); short protein forms G4fs, G119fs.
Identifiers: ClinVar variation 817103 (VCV000817103.1), dbSNP rs1603214377, ClinGen allele CA915952141.